The following is an entry in ClinVar:

NM_001353345.2(SETD1B):c.3074G>A (p.Arg1025Gln)

Gene: SETD1B (SET domain containing 1B, histone lysine methyltransferase; plus strand). Cytogenetic location: 12q24.31.
Variant type: single nucleotide variant.
Coding change: c.3074G>A on transcript NM_001353345.2 (MANE Select); coding-DNA position 3074, G replaced by A.
Protein change: p.Arg1025Gln; replaces arginine 1025 with glutamine.
Molecular consequence: missense variant.
Genome position (GRCh38, 1-based): chr12:121,817,466, G>A. VCF-style: chr12-121817466-G-A. GRCh37 (hg19) VCF-style: chr12-122255372-G-A.
Other names: NM_015048.1:c.3074G>A; short protein forms R1025Q.
Identifiers: ClinVar variation 2643458 (VCV002643458.26), dbSNP rs199987652, ClinGen allele CA6839010.

ClinVar aggregate classification (germline): Likely benign. Review status: criteria provided, multiple submitters, no conflicts (2 of 4 stars). 3 submissions from 3 submitters: Likely benign (2). 1 of the submissions does not count toward it. Last evaluated 2025-03-01.

Conditions:
SETD1B-related disorder. Also called: SETD1B-related condition.

Allele frequency attached by ClinVar (database versions not stated): 1000 Genomes Project 30x 0.00031; TOPMed 0.00094; ExAC 0.00103; gnomAD 0.00108; ESP Exome Variant Server 0.00131; gnomAD exomes 0.00159.
gnomAD v4.1: 2,373 of 1,548,572 alleles (0.15%); highest among the groups gnomAD compares: Non-Finnish European, 0.19%; 2 homozygotes.

Submissions (3):

CeGaT Center for Human Genetics Tuebingen
Classification: Likely benign. Last evaluated: 2025-03-01. Review status: criteria provided, single submitter. Criteria: CeGaT Center For Human Genetics Tuebingen Variant Classification Criteria Version 2. Collection method: clinical testing. Allele origin: germline. Affected: yes. Observed: 2 variant alleles.
Comment: SETD1B: PP2, BS1

Blueprint Genetics
Classification: Likely benign. Last evaluated: 2024-11-04. Review status: criteria provided, single submitter. Criteria: ACMG Guidelines, 2015. Collection method: clinical testing. Allele origin: germline.

PreventionGenetics, part of Exact Sciences
Classification: Likely benign for SETD1B-related condition. Last evaluated: 2022-06-27. Review status: no assertion criteria provided. Collection method: clinical testing. Allele origin: germline. Not counted in ClinVar's aggregate classification.
Comment: This variant is classified as likely benign based on ACMG/AMP sequence variant interpretation guidelines (Richards et al. 2015 PMID: 25741868, with internal and published modifications).